The following is an entry in ClinVar:

NM_000342.4(SLC4A1):c.1738G>A (p.Gly580Ser)

Gene: SLC4A1 (solute carrier family 4 member 1 (Diego blood group); minus strand). Cytogenetic location: 17q21.31.
Variant type: single nucleotide variant.
Coding change: c.1738G>A on transcript NM_000342.4 (MANE Select); coding-DNA position 1738, G replaced by A.
Protein change: p.Gly580Ser; replaces glycine 580 with serine.
Molecular consequence: missense variant.
Genome position (GRCh38, 1-based): chr17:44,255,735, C>T on the plus strand (G>A on the coding strand, the complement: SLC4A1 is on the minus strand). VCF-style: chr17-44255735-C-T. GRCh37 (hg19) VCF-style: chr17-42333103-C-T.
Other names: short protein forms G580S.
Identifiers: ClinVar variation 2632109 (VCV002632109.11), dbSNP rs369015220, ClinGen allele CA8600208.

ClinVar aggregate classification (germline): Uncertain significance. Review status: criteria provided, multiple submitters, no conflicts (2 of 4 stars). 2 submissions from 2 submitters: Uncertain significance (2). Last evaluated 2025-06-01.

Conditions:
SLC4A1-related disorder. Also called: SLC4A1-related disorders; SLC4A1-related condition.

Allele frequency attached by ClinVar (database versions not stated): gnomAD exomes 0.00002; TOPMed 0.00002; gnomAD 0.00003; ExAC 0.00004.

Submissions (2):

CeGaT Center for Human Genetics Tuebingen
Classification: Uncertain significance. Last evaluated: 2025-06-01. Review status: criteria provided, single submitter. Criteria: CeGaT Center For Human Genetics Tuebingen Variant Classification Criteria Version 2. Collection method: clinical testing. Allele origin: germline. Affected: yes. Observed: 1 variant allele.
Comment: SLC4A1: PM2

PreventionGenetics, part of Exact Sciences
Classification: Uncertain significance for SLC4A1-related condition. Last evaluated: 2023-08-03. Review status: criteria provided, single submitter. Criteria: ACMG Guidelines, 2015. Collection method: clinical testing. Allele origin: germline.
Comment: The SLC4A1 c.1738G>A variant is predicted to result in the amino acid substitution p.Gly580Ser. To our knowledge, this variant has not been reported in the literature. This variant is reported in 0.012% of alleles in individuals of African descent in gnomAD. At this time, the clinical significance of this variant is uncertain due to the absence of conclusive functional and genetic evidence.